The following is an entry in ClinVar:

ClinVar aggregate classification (germline): Likely benign (1 of 4 stars; one submission).

gnomAD v4.1: 5 of 1,614,062 alleles (0.00031%); highest among the groups gnomAD compares: East Asian, 0.011%; no homozygotes.

Submission:

CeGaT Center for Human Genetics Tuebingen
Classification: Likely benign. Last evaluated: 2023-01-01. Review status: criteria provided, single submitter. Criteria: CeGaT Center For Human Genetics Tuebingen Variant Classification Criteria Version 2. Collection method: clinical testing. Allele origin: germline. Affected: yes. Observed: 1 variant allele.
Comment: NARS1: BP4, BP7

NM_004539.4(NARS1):c.747A>C (p.Arg249=)

Gene: NARS1 (asparaginyl-tRNA synthetase 1; minus strand). Cytogenetic location: 18q21.31.
Variant type: single nucleotide variant.
Coding change: c.747A>C on transcript NM_004539.4 (MANE Select); coding-DNA position 747, A replaced by C.
Protein change: p.Arg249=; no amino-acid change (arginine 249 retained).
Molecular consequence: synonymous variant.
Genome position (GRCh38, 1-based): chr18:57,607,498, T>G on the plus strand (A>C on the coding strand, the complement: NARS1 is on the minus strand). VCF-style: chr18-57607498-T-G. GRCh37 (hg19) VCF-style: chr18-55274730-T-G.
Identifiers: ClinVar variation 2648754 (VCV002648754.24), dbSNP rs142067552, ClinGen allele CA8973627.